The following is an entry in ClinVar:

ClinVar aggregate classification (germline): Uncertain significance (1 of 4 stars; one submission).

Submission:

Ambry Genetics
Classification: Uncertain significance. Last evaluated: 2025-06-12. Review status: criteria provided, single submitter. Criteria: Ambry Variant Classification Scheme 2023. Collection method: clinical testing. Allele origin: germline.
Comment: The p.L204I variant (also known as c.610C>A), located in coding exon 4 of the GEN1 gene, results from a C to A substitution at nucleotide position 610. The leucine at codon 204 is replaced by isoleucine, an amino acid with highly similar properties. This amino acid position is conserved. In addition, the in silico prediction for this alteration is inconclusive. Based on the available evidence, the clinical significance of this variant remains unclear.

NM_001130009.3(GEN1):c.610C>A (p.Leu204Ile)

Gene: GEN1 (GEN1 Holliday junction 5' flap endonuclease; plus strand). Cytogenetic location: 2p24.2.
Variant type: single nucleotide variant.
Coding change: c.610C>A on transcript NM_001130009.3 (MANE Select); coding-DNA position 610, C replaced by A.
Protein change: p.Leu204Ile; replaces leucine 204 with isoleucine.
Molecular consequence: missense variant.
Genome position (GRCh38, 1-based): chr2:17,766,663, C>A. VCF-style: chr2-17766663-C-A. GRCh37 (hg19) VCF-style: chr2-17947930-C-A.
Other names: c.610C>A, p.Leu204Ile (NM_182625.5); short protein forms L204I.
Identifiers: ClinVar variation 4029341 (VCV004029341.1).